The following is an entry in ClinVar:

ClinVar aggregate classification (germline): Uncertain significance (1 of 4 stars; one submission).

Allele frequency attached by ClinVar (database versions not stated): gnomAD 0.00001.
gnomAD v4.1: 3 of 1,611,566 alleles (0.00019%); highest among the groups gnomAD compares: Admixed American, 0.0017%; no homozygotes.

Submission:

Labcorp Genetics (formerly Invitae), Labcorp
Classification: Uncertain significance. Last evaluated: 2023-04-28. Review status: criteria provided, single submitter. Criteria: Invitae Variant Classification Sherloc (09022015). Collection method: clinical testing. Allele origin: germline.
Comment: This sequence change replaces valine, which is neutral and non-polar, with isoleucine, which is neutral and non-polar, at codon 1007 of the PLXNA2 protein (p.Val1007Ile). This variant is present in population databases (no rsID available, gnomAD 0.003%). This variant has not been reported in the literature in individuals affected with PLXNA2-related conditions. ClinVar contains an entry for this variant (Variation ID: 2119666). Advanced modeling of protein sequence and biophysical properties (such as structural, functional, and spatial information, amino acid conservation, physicochemical variation, residue mobility, and thermodynamic stability) performed at Invitae indicates that this missense variant is not expected to disrupt PLXNA2 protein function. In summary, the available evidence is currently insufficient to determine the role of this variant in disease. Therefore, it has been classified as a Variant of Uncertain Significance.

NM_025179.4(PLXNA2):c.3019G>A (p.Val1007Ile)

Gene: PLXNA2 (plexin A2; minus strand). Cytogenetic location: 1q32.2.
Variant type: single nucleotide variant.
Coding change: c.3019G>A on transcript NM_025179.4 (MANE Select); coding-DNA position 3019, G replaced by A.
Protein change: p.Val1007Ile; replaces valine 1007 with isoleucine.
Molecular consequence: missense variant.
Genome position (GRCh38, 1-based): chr1:208,051,398, C>T on the plus strand (G>A on the coding strand, the complement: PLXNA2 is on the minus strand). VCF-style: chr1-208051398-C-T. GRCh37 (hg19) VCF-style: chr1-208224743-C-T.
Other names: short protein forms V1007I.
Identifiers: ClinVar variation 2119666 (VCV002119666.4), dbSNP rs1327895746, ClinGen allele CA344565150.